The following is an entry in ClinVar:

ClinVar aggregate classification (germline): Conflicting classifications of pathogenicity. Review status: criteria provided, conflicting classifications (1 of 4 stars). 4 submissions from 4 submitters: Uncertain significance (1); Benign (1); Likely benign (2). Last evaluated 2025-01-23.

Conditions:
Hereditary cancer-predisposing syndrome. Also called: Neoplastic Syndromes, Hereditary; Hereditary Cancer Syndrome; Hereditary neoplastic syndrome; Tumor predisposition. Identifiers: Orphanet 140162, MedGen C0027672, MeSH D009386, MONDO:0015356.
Familial cancer of breast. Also called: hereditary breast carcinoma; BREAST CANCER, FAMILIAL; Hereditary breast cancer. Identifiers: Orphanet 227535, MedGen C0346153, MONDO:0016419, OMIM 114480. Disease mechanism: loss of function.
Ataxia-telangiectasia syndrome (AT). Also called: ATAXIA-TELANGIECTASIA, COMPLEMENTATION GROUP A; ATAXIA-TELANGIECTASIA, FRESNO VARIANT; Ataxia-telangiectasia, complementation group E; Ataxia telangiectasia (A-T); LOUIS-BAR SYNDROME; Cerebello-oculocutaneous telangiectasia. Identifiers: Orphanet 100, MedGen C0004135, MONDO:0008840, OMIM 208900.

Allele frequency attached by ClinVar (database versions not stated): gnomAD exomes below 0.00001.
gnomAD v4.1: 1 of 1,533,212 alleles (0.000065%); highest among the groups gnomAD compares: South Asian, 0.0012%; no homozygotes.

Submissions (4):

Labcorp Genetics (formerly Invitae), Labcorp
Classification: Uncertain significance for Ataxia-telangiectasia syndrome. Last evaluated: 2025-01-23. Review status: criteria provided, single submitter. Criteria: Invitae Variant Classification Sherloc (09022015). Collection method: clinical testing. Allele origin: germline.
Comment: This sequence change affects codon 1539 of the ATM mRNA. It is a 'silent' change, meaning that it does not change the encoded amino acid sequence of the ATM protein. This variant is present in population databases (no rsID available, gnomAD 0.004%). This variant has not been reported in the literature in individuals affected with ATM-related conditions. ClinVar contains an entry for this variant (Variation ID: 825044). Studies have shown that this variant is associated with altered splicing resulting in multiple RNA products (internal data). In summary, the available evidence is currently insufficient to determine the role of this variant in disease. Therefore, it has been classified as a Variant of Uncertain Significance.

Myriad Genetics, Inc.
Classification: Benign for Familial cancer of breast. Last evaluated: 2024-05-20. Review status: criteria provided, single submitter. Criteria: Myriad Autosomal Dominant, Autosomal Recessive and X-Linked Classification Criteria (2023). Collection method: clinical testing. Allele origin: unknown.
Comment: This variant is considered benign. This variant is a silent/synonymous amino acid change and it is not expected to impact splicing.

Ambry Genetics
Classification: Likely benign for Hereditary cancer-predisposing syndrome. Last evaluated: 2019-03-22. Review status: criteria provided, single submitter. Criteria: Ambry Variant Classification Scheme 2023. Collection method: clinical testing. Allele origin: germline.

Color Diagnostics, LLC DBA Color Health
Classification: Likely benign for Hereditary cancer-predisposing syndrome. Last evaluated: 2018-11-26. Review status: criteria provided, single submitter. Criteria: ACMG Guidelines, 2015. Collection method: clinical testing. Allele origin: germline.

NM_000051.4(ATM):c.4617G>A (p.Leu1539=)

Gene: ATM (ATM serine/threonine kinase; plus strand). Cytogenetic location: 11q22.3.
Variant type: single nucleotide variant.
Coding change: c.4617G>A on transcript NM_000051.4 (MANE Select); coding-DNA position 4617, G replaced by A.
Protein change: p.Leu1539=; no amino-acid change (leucine 1539 retained).
Molecular consequence: synonymous variant.
Genome position (GRCh38, 1-based): chr11:108,293,318, G>A. VCF-style: chr11-108293318-G-A. GRCh37 (hg19) VCF-style: chr11-108164045-G-A.
Other names: c.4617G>A, p.Leu1539= (NM_001351834.2).
Identifiers: ClinVar variation 825044 (VCV000825044.9), dbSNP rs1179885415, ClinGen allele CA476674369.